The following is an entry in ClinVar:

NM_013382.7(POMT2):c.1692G>A (p.Thr564=)

Gene: POMT2 (protein O-mannosyltransferase 2; minus strand). Cytogenetic location: 14q24.3.
Variant type: single nucleotide variant.
Coding change: c.1692G>A on transcript NM_013382.7 (MANE Select); coding-DNA position 1692, G replaced by A.
Protein change: p.Thr564=; no amino-acid change (threonine 564 retained).
Molecular consequence: synonymous variant.
Genome position (GRCh38, 1-based): chr14:77,280,425, C>T on the plus strand (G>A on the coding strand, the complement: POMT2 is on the minus strand). VCF-style: chr14-77280425-C-T. GRCh37 (hg19) VCF-style: chr14-77746768-C-T.
Identifiers: ClinVar variation 886683 (VCV000886683.14), dbSNP rs183828175, ClinGen allele CA7285757.
Genomic context (GRCh38, chr14:77,280,425, plus strand): 5'-GGGAGGAGCCCCAGCCTTGGATCCTACCTGATAGTTGATAGGCCAGTGCCAGGGTTTGGA[C>T]GTGAACTCATTGTCCTTGGGTTTGAGGCCACTGTTCCCCTGCATGAAGGTAGCAAAGAAA-3'
Protein context (NP_037514.2, residues 554-574): SGLKPKDNEF[Thr564=]SKPWHWPINY

ClinVar aggregate classification (germline): Conflicting classifications of pathogenicity. Review status: criteria provided, conflicting classifications (1 of 4 stars). 3 submissions from 3 submitters: Uncertain significance (1); Likely benign (1). 1 of the submissions does not count toward it. Last evaluated 2026-01-18.

Conditions:
Autosomal recessive limb-girdle muscular dystrophy type 2N. Also called: Muscular dystrophy-dystroglycanopathy (limb-girdle), type C, 2; MUSCULAR DYSTROPHY-DYSTROGLYCANOPATHY, LIMB-GIRDLE, POMT2-RELATED. Identifiers: Orphanet 206559, MedGen C3150418, MONDO:0013162, OMIM 613158.
Muscular dystrophy-dystroglycanopathy (congenital with brain and eye anomalies), type A2. Also called: MUSCULAR DYSTROPHY-DYSTROGLYCANOPATHY (CONGENITAL WITH BRAIN AND EYE ANOMALIES), TYPE A, 2; WALKER-WARBURG SYNDROME OR MUSCLE-EYE-BRAIN DISEASE, POMT2-RELATED. Identifiers: Orphanet 588, Orphanet 899, MedGen C3150411, MONDO:0013154, OMIM 613150.
Muscular dystrophy-dystroglycanopathy (congenital with impaired intellectual development), type B, 2. Also called: MUSCULAR DYSTROPHY, CONGENITAL, POMT2-RELATED; Muscular dystrophy-dystroglycanopathy (congenital with intellectual disability), type B2. Identifiers: MedGen C3150416, MONDO:0013160, OMIM 613156.
POMT2-related disorder. Also called: POMT2-related condition.

Allele frequency attached by ClinVar (database versions not stated): gnomAD exomes 0.00002 and 0.00001; 1000 Genomes Project 30x 0.00016; gnomAD 0.00005 and 0.00004; 1000 Genomes Project 0.00020; ExAC 0.00002; TOPMed 0.00006.
gnomAD v4.1: 31 of 1,614,132 alleles (0.0019%); highest among the groups gnomAD compares: African/African-American, 0.013%; no homozygotes.

Submissions (3):

Labcorp Genetics (formerly Invitae), Labcorp
Classification: Likely benign for Muscular dystrophy-dystroglycanopathy (congenital with impaired intellectual development), type B, 2; Muscular dystrophy-dystroglycanopathy (congenital with brain and eye anomalies), type A2; Autosomal recessive limb-girdle muscular dystrophy type 2N. Last evaluated: 2026-01-18. Review status: criteria provided, single submitter. Criteria: Invitae Variant Classification Sherloc (09022015). Collection method: clinical testing. Allele origin: germline.

Illumina Laboratory Services, Illumina
Classification: Uncertain significance for Autosomal recessive limb-girdle muscular dystrophy type 2N. Last evaluated: 2018-01-13. Review status: criteria provided, single submitter. Criteria: ICSL Variant Classification Criteria 13 December 2019. Collection method: clinical testing. Allele origin: germline.

PreventionGenetics, part of Exact Sciences
Classification: Likely benign for POMT2-related condition. Last evaluated: 2022-06-20. Review status: no assertion criteria provided. Collection method: clinical testing. Allele origin: germline. Not counted in ClinVar's aggregate classification.
Comment: This variant is classified as likely benign based on ACMG/AMP sequence variant interpretation guidelines (Richards et al. 2015 PMID: 25741868, with internal and published modifications).